The following is an entry in ClinVar:

ClinVar aggregate classification (germline): Uncertain significance (1 of 4 stars; one submission).

Conditions:
Frontometaphyseal dysplasia (FMD1). Identifiers: Orphanet 1826, MedGen C0265293, MONDO:0015942.
Heterotopia, periventricular, X-linked dominant (PVNH1). Also called: PERIVENTRICULAR NODULAR HETEROTOPIA 1; X-linked periventricular heterotopia; PERIVENTRICULAR NODULAR HETEROTOPIA 4; HETEROTOPIA, PERIVENTRICULAR, 1. Identifiers: Orphanet 2149, Orphanet 82004, MedGen C1848213, MONDO:0010233, OMIM 300049.
Melnick-Needles syndrome (MNS). Also called: MELNICK-NEEDLES OSTEODYSPLASTY; OSTEODYSPLASTY OF MELNICK AND NEEDLES; Melnick-Needles Syndrome (FLNA-MNS). Identifiers: Orphanet 2484, MedGen C0025237, MONDO:0010650, OMIM 309350.
Oto-palato-digital syndrome, type II (OPD2). Also called: OPD II SYNDROME; FACIOPALATOOSSEOUS SYNDROME; Otopalatodigital Syndrome Type 2 (FLNA-OPD2); Otopalatodigital Syndrome, Type II. Identifiers: Orphanet 669, Orphanet 90652, MedGen C1844696, MONDO:0010571, OMIM 304120.

Submission:

Labcorp Genetics (formerly Invitae), Labcorp
Classification: Uncertain significance for Oto-palato-digital syndrome, type II; Heterotopia, periventricular, X-linked dominant; Frontometaphyseal dysplasia; Melnick-Needles syndrome. Last evaluated: 2024-02-24. Review status: criteria provided, single submitter. Criteria: Invitae Variant Classification Sherloc (09022015). Collection method: clinical testing. Allele origin: germline.
Comment: This sequence change replaces alanine, which is neutral and non-polar, with serine, which is neutral and polar, at codon 39 of the FLNA protein (p.Ala39Ser). This variant is not present in population databases (gnomAD no frequency). This variant has not been reported in the literature in individuals affected with FLNA-related conditions. ClinVar contains an entry for this variant (Variation ID: 946889). Advanced modeling of protein sequence and biophysical properties (such as structural, functional, and spatial information, amino acid conservation, physicochemical variation, residue mobility, and thermodynamic stability) has been performed at Invitae for this missense variant, however the output from this modeling did not meet the statistical confidence thresholds required to predict the impact of this variant on FLNA protein function. This variant disrupts the p.Ala39 amino acid residue in FLNA. Other variant(s) that disrupt this residue have been observed in individuals with FLNA-related conditions (PMID: 15668422, 22366253), which suggests that this may be a clinically significant amino acid residue. In summary, the available evidence is currently insufficient to determine the role of this variant in disease. Therefore, it has been classified as a Variant of Uncertain Significance.

Literature cited by the submitters: PubMed 15668422; PubMed 22366253.

NM_001110556.2(FLNA):c.115G>T (p.Ala39Ser)

Gene: FLNA (filamin A; minus strand). Cytogenetic location: Xq28.
Variant type: single nucleotide variant.
Coding change: c.115G>T on transcript NM_001110556.2 (MANE Select); coding-DNA position 115, G replaced by T.
Protein change: p.Ala39Ser; replaces alanine 39 with serine.
Molecular consequence: missense variant.
Genome position (GRCh38, 1-based): chrX:154,371,131, C>A on the plus strand (G>T on the coding strand, the complement: FLNA is on the minus strand). VCF-style: chrX-154371131-C-A. GRCh37 (hg19) VCF-style: chrX-153599499-C-A.
Other names: c.115G>T, p.Ala39Ser (NM_001456.4); short protein forms A39S.
Identifiers: ClinVar variation 946889 (VCV000946889.10), dbSNP rs2067803076, ClinGen allele CA415255497.
Genomic context (GRCh38, chrX:154,371,131, plus strand): 5'-ACTTCAGGTGCTCGTTGCACCAGCGCGTGAAAGTGTTCTGCTGGATCTTCTTCCACGGCG[C>A]GTCCTCCGCCAGGTCCTTCTCGGTGGCCGGCATCTCGGCGTCCCGCGTGTCGACGCCGCC-3'
Protein context (NP_001104026.1, residues 29-49): PATEKDLAED[Ala39Ser]PWKKIQQNTF